The following is an entry in ClinVar:

ClinVar aggregate classification (germline): Uncertain significance (1 of 4 stars; one submission).

Submission:

GeneDx
Classification: Uncertain significance. Last evaluated: 2021-11-16. Review status: criteria provided, single submitter. Criteria: GeneDx Variant Classification Process June 2021. Collection method: clinical testing. Allele origin: germline. Affected: yes.
Comment: Not observed at significant frequency in large population cohorts (gnomAD); In silico analysis supports that this missense variant does not alter protein structure/function; Has not been previously published as pathogenic or benign to our knowledge

NM_014516.4(CNOT3):c.1117C>G (p.Gln373Glu)

Gene: CNOT3 (CCR4-NOT transcription complex subunit 3; plus strand). Cytogenetic location: 19q13.42.
Variant type: single nucleotide variant.
Coding change: c.1117C>G on transcript NM_014516.4 (MANE Select); coding-DNA position 1117, C replaced by G.
Protein change: p.Gln373Glu; replaces glutamine 373 with glutamic acid.
Molecular consequence: missense variant.
Genome position (GRCh38, 1-based): chr19:54,148,370, C>G. VCF-style: chr19-54148370-C-G. GRCh37 (hg19) VCF-style: chr19-54652105-C-G.
Other names: short protein forms Q373E.
Identifiers: ClinVar variation 1686680 (VCV001686680.2), dbSNP rs2146644001, ClinGen allele CA407763981.
Genomic context (GRCh38, chr19:54,148,370, plus strand): 5'-CTGGGCCCCAAGGCCAGTCCAGCTCCCAGCCACAACTCGGGCACCCCTGCTCCCTATGCC[C>G]AGGCTGTGGCCCCACCAGCTCCCAGTGGGCCCAGCACGACCCAGCCCCGGCCCCCCAGCG-3'
Protein context (NP_055331.1, residues 363-383): HNSGTPAPYA[Gln373Glu]AVAPPAPSGP